The following is an entry in ClinVar:

ClinVar aggregate classification (germline): Uncertain significance. Review status: criteria provided, multiple submitters, no conflicts (2 of 4 stars). 2 submissions from 2 submitters: Uncertain significance (2). Last evaluated 2017-10-16.

Allele frequency attached by ClinVar (database versions not stated): ExAC 0.00001; TOPMed 0.00001; gnomAD exomes 0.00002 and 0.00003; gnomAD 0.00003.
gnomAD v4.1: 58 of 1,612,456 alleles (0.0036%); highest among the groups gnomAD compares: Non-Finnish European, 0.0042%; no homozygotes.

Submissions (2):

GeneDx
Classification: Uncertain significance. Last evaluated: 2017-10-16. Review status: criteria provided, single submitter. Criteria: GeneDx Variant Classification (06012015). Collection method: clinical testing. Allele origin: germline. Affected: yes.
Comment: The A8032G variant of uncertain significance in the TTN gene has not been published as a pathogenic or benignvariant to our knowledge. The A8032G variant is not observed at a significant frequency in large population cohorts(Lek et al., 2016). This variant could be functionally significant at the mRNA or protein level. At the mRNA level,several in silico splicing models predict that this variant probably affects splicing by creating a strong cryptic donorsite upstream of the natural donor site for intron 84. However, in the absence of functional mRNA studies, thephysiological consequence of this variant cannot be determined. At the protein level, the A8032G variant is aconservative amino acid substitution that occurs at a position that is not conserved across species. In silico analysis isinconsistent in its predictions as to whether or not the variant is damaging to the protein structure/function.

Laboratory for Molecular Medicine, Mass General Brigham Personalized Medicine
Classification: Uncertain significance. Last evaluated: 2012-05-11. Review status: criteria provided, single submitter. Criteria: LMM Criteria. Collection method: clinical testing. Allele origin: germline. Observed: 2 variant alleles.
Comment: Computational analyses (biochemical amino acid properties, conservation, AlignGVGD, PolyPhen2, and SIF T) do not provide strong support for or against an impact to the protein. Compu tational tools predict that this variant may affect splicing, but additional stu dies are needed to further investigate this. In summary, additional information is needed to fully assess the clinical significance of the Ala7105Gly variant.

NM_001267550.2(TTN):c.25046C>G (p.Ala8349Gly)

Gene: TTN (titin; minus strand). Cytogenetic location: 2q31.2.
Variant type: single nucleotide variant.
Coding change: c.25046C>G on transcript NM_001267550.2 (MANE Select); coding-DNA position 25046, C replaced by G.
Protein change: p.Ala8349Gly; replaces alanine 8349 with glycine.
Molecular consequence: missense variant. On other transcripts: intron variant (3).
Genome position (GRCh38, 1-based): chr2:178,717,960, G>C on the plus strand (C>G on the coding strand, the complement: TTN is on the minus strand). VCF-style: chr2-178717960-G-C. GRCh37 (hg19) VCF-style: chr2-179582687-G-C.
Other names: c.24095C>G, p.Ala8032Gly (NM_001256850.1); c.21314C>G, p.Ala7105Gly (NM_133378.4); c.13282+20122C>G (NM_003319.4); c.13858+20122C>G (NM_133437.4); c.13657+20122C>G (NM_133432.3); short protein forms A8349G, A7105G, A8032G.
Identifiers: ClinVar variation 46749 (VCV000046749.6), dbSNP rs397517513, ClinGen allele CA139110.